The following is an entry in ClinVar:

ClinVar aggregate classification (germline): Uncertain significance. Review status: criteria provided, multiple submitters, no conflicts (2 of 4 stars). 2 submissions from 2 submitters: Uncertain significance (2). Last evaluated 2025-06-29.

Conditions:
Ataxia-telangiectasia syndrome (AT). Also called: Ataxia telangiectasia (A-T); LOUIS-BAR SYNDROME; Cerebello-oculocutaneous telangiectasia; Immunodeficiency with ataxia telangiectasia; Ataxia-telangiectasia, complementation group D; AT, COMPLEMENTATION GROUP C. Identifiers: Orphanet 100, MedGen C0004135, MONDO:0008840, OMIM 208900.
Hereditary cancer-predisposing syndrome. Also called: Hereditary neoplastic syndrome; Neoplastic Syndromes, Hereditary; Tumor predisposition; Hereditary Cancer Syndrome. Identifiers: Orphanet 140162, MedGen C0027672, MeSH D009386, MONDO:0015356.

Submissions (2):

Labcorp Genetics (formerly Invitae), Labcorp
Classification: Uncertain significance for Ataxia-telangiectasia syndrome. Last evaluated: 2025-06-29. Review status: criteria provided, single submitter. Criteria: Invitae Variant Classification Sherloc (09022015). Collection method: clinical testing. Allele origin: germline.
Comment: This sequence change replaces glycine, which is neutral and non-polar, with glutamic acid, which is acidic and polar, at codon 2694 of the ATM protein (p.Gly2694Glu). This variant is not present in population databases (gnomAD no frequency). This variant has not been reported in the literature in individuals affected with ATM-related conditions. ClinVar contains an entry for this variant (Variation ID: 1761917). Invitae Evidence Modeling of protein sequence and biophysical properties (such as structural, functional, and spatial information, amino acid conservation, physicochemical variation, residue mobility, and thermodynamic stability) indicates that this missense variant is expected to disrupt ATM protein function with a positive predictive value of 95%. In summary, the available evidence is currently insufficient to determine the role of this variant in disease. Therefore, it has been classified as a Variant of Uncertain Significance.

Ambry Genetics
Classification: Uncertain significance for Hereditary cancer-predisposing syndrome. Last evaluated: 2020-05-21. Review status: criteria provided, single submitter. Criteria: Ambry Variant Classification Scheme 2023. Collection method: clinical testing. Allele origin: germline.
Comment: The p.G2694E variant (also known as c.8081G>A), located in coding exon 54 of the ATM gene, results from a G to A substitution at nucleotide position 8081. The glycine at codon 2694 is replaced by glutamic acid, an amino acid with similar properties. This amino acid position is highly conserved in available vertebrate species. In addition, this alteration is predicted to be deleterious by in silico analysis. Since supporting evidence is limited at this time, the clinical significance of this alteration remains unclear.

NM_000051.4(ATM):c.8081G>A (p.Gly2694Glu)

Genes: C11orf65 (chromosome 11 open reading frame 65; minus strand), ATM (ATM serine/threonine kinase; plus strand). Cytogenetic location: 11q22.3.
Variant type: single nucleotide variant.
Coding change: c.8081G>A on transcript NM_000051.4 (MANE Select); coding-DNA position 8081, G replaced by A.
Protein change: p.Gly2694Glu; replaces glycine 2694 with glutamic acid.
Molecular consequence: missense variant. On other transcripts: intron variant (2).
Genome position (GRCh38, 1-based): chr11:108,335,039, G>A. VCF-style: chr11-108335039-G-A. GRCh37 (hg19) VCF-style: chr11-108205766-G-A.
Other names: c.8081G>A, p.Gly2694Glu (NM_001351834.2); c.641-25968C>T (NM_001330368.2); c.*38+181C>T (NM_001351110.2); short protein forms G2694E.
Identifiers: ClinVar variation 1761917 (VCV001761917.5), dbSNP rs2086679689, ClinGen allele CA382562029.